The following is an entry in ClinVar:

NM_025114.4(CEP290):c.1910-1G>A

Gene: CEP290 (centrosomal protein 290; minus strand). Cytogenetic location: 12q21.32.
Variant type: single nucleotide variant.
Coding change: c.1910-1G>A on transcript NM_025114.4 (MANE Select); the canonical splice acceptor site of the intron before coding-DNA position 1910, G replaced by A.
Molecular consequence: splice acceptor variant.
Genome position (GRCh38, 1-based): chr12:88,114,563, C>T on the plus strand (G>A on the coding strand, the complement: CEP290 is on the minus strand). VCF-style: chr12-88114563-C-T. GRCh37 (hg19) VCF-style: chr12-88508340-C-T.
Other names: c.1910-1G>A (NM_025114.3).
Identifiers: ClinVar variation 1945139 (VCV001945139.7), dbSNP rs2500817276, ClinGen allele CA385977052.

ClinVar aggregate classification (germline): Pathogenic/Likely pathogenic. Review status: criteria provided, multiple submitters, no conflicts (2 of 4 stars). 3 submissions from 3 submitters: Pathogenic (1); Likely pathogenic (2). Last evaluated 2024-11-12.

Conditions:
Joubert syndrome. Also called: CEREBELLOPARENCHYMAL DISORDER IV; JOUBERT-BOLTSHAUSER SYNDROME; Familial aplasia of the vermis. Identifiers: Orphanet 475, MedGen C5979921, MONDO:0018772.
Meckel-Gruber syndrome. Also called: DYSENCEPHALIA SPLANCHNOCYSTICA; GRUBER SYNDROME; Dysencephalia splachnocystica. Identifiers: Orphanet 564, MedGen C0265215, MONDO:0018921.
Nephronophthisis. Also called: Juvenile Nephronophthisis. Identifiers: Orphanet 655, MedGen C0687120, MONDO:0019005, HP:0000090.
Leber congenital amaurosis (LCA). Also called: Leber's amaurosis. Identifiers: Orphanet 65, MedGen C0339527, MeSH D057130, MONDO:0018998.
Bardet-Biedl syndrome 14 (BBS14). Identifiers: Orphanet 110, MedGen C2673874, MONDO:0014442, OMIM 615991.

Allele frequency attached by ClinVar (database versions not stated): gnomAD exomes below 0.00001.
gnomAD v4.1: 1 of 1,535,638 alleles (0.000065%); highest among the groups gnomAD compares: Non-Finnish European, 0.000088%; no homozygotes.

Submissions (3):

Natera, Inc.
Classification: Pathogenic for Leber congenital amaurosis. Last evaluated: 2024-11-12. Review status: criteria provided, single submitter. Criteria: Natera Variant Classification Schema (03/2026). Collection method: clinical testing. Allele origin: germline.
Comment: The c.1910-1G>A variant in CEP290 is a canonical splice acceptor site variant predicted to affect pre-mRNA splicing, which may result in an abnormal transcript and altered protein product. This variant is expected to result in nonsense mediated decay, truncation, or a dysfunctional protein product. This variant is rare in the general population with a frequency below the threshold expected for the associated phenotype(s). Another variant at this same site results in an alteration predicted to cause a similar molecular effect has been observed in individual(s) with the associated phenotype. Given the available evidence, this variant is classified as Pathogenic.

Baylor Genetics
Classification: Likely pathogenic for Bardet-Biedl syndrome 14. Last evaluated: 2023-11-09. Review status: criteria provided, single submitter. Criteria: ACMG Guidelines, 2015. Collection method: clinical testing. Allele origin: unknown.

Labcorp Genetics (formerly Invitae), Labcorp
Classification: Likely pathogenic for Joubert syndrome; Meckel-Gruber syndrome; Nephronophthisis. Last evaluated: 2022-06-22. Review status: criteria provided, single submitter. Criteria: Invitae Variant Classification Sherloc (09022015). Collection method: clinical testing. Allele origin: germline.
Comment: In summary, the currently available evidence indicates that the variant is pathogenic, but additional data are needed to prove that conclusively. Therefore, this variant has been classified as Likely Pathogenic. This sequence change affects an acceptor splice site in intron 19 of the CEP290 gene. It is expected to disrupt RNA splicing. Variants that disrupt the donor or acceptor splice site typically lead to a loss of protein function (PMID: 16199547), and loss-of-function variants in CEP290 are known to be pathogenic (PMID: 16909394, 17345604, 20690115). This variant is not present in population databases (gnomAD no frequency). This variant has not been reported in the literature in individuals affected with CEP290-related conditions. Algorithms developed to predict the effect of sequence changes on RNA splicing suggest that this variant may disrupt the consensus splice site.

Literature cited by the submitters: PubMed 16199547 (cited by Labcorp Genetics (formerly Invitae), Labcorp); PubMed 16909394 (cited by Labcorp Genetics (formerly Invitae), Labcorp); PubMed 17345604 (cited by Labcorp Genetics (formerly Invitae), Labcorp); PubMed 20690115 (cited by Labcorp Genetics (formerly Invitae), Labcorp).